The following is an entry in ClinVar:

ClinVar aggregate classification (germline): Likely pathogenic (1 of 4 stars; one submission).

Submission:

Labcorp Genetics (formerly Invitae), Labcorp
Classification: Likely pathogenic. Last evaluated: 2019-10-18. Review status: criteria provided, single submitter. Criteria: Invitae Variant Classification Sherloc (09022015). Collection method: clinical testing. Allele origin: germline.
Comment: In summary, the currently available evidence indicates that the variant is pathogenic, but additional data are needed to prove that conclusively. Therefore, this variant has been classified as Likely Pathogenic. Loss-of-function variants in LAMC2 are known to be pathogenic (PMID: 11907499, 16473856). Algorithms developed to predict the effect of sequence changes on RNA splicing suggest that this variant may disrupt the consensus splice site, but this prediction has not been confirmed by published transcriptional studies. This variant has not been reported in the literature in individuals with LAMC2-related conditions. This variant is not present in population databases (ExAC no frequency). This variant results in the deletion of part of exon 5 (c.504-51_550del) of the LAMC2 gene. It is expected to disrupt RNA splicing and likely results in an absent or disrupted protein product.

Literature cited by the submitters: PubMed 11907499; PubMed 16473856.

NM_005562.3(LAMC2):c.504-51_550del

Gene: LAMC2 (laminin subunit gamma 2; plus strand). Cytogenetic location: 1q25.3.
Variant type: Deletion.
Coding change: c.504-51_550del on transcript NM_005562.3 (MANE Select); 51 bases into the intron before coding-DNA position 504 through coding-DNA position 550, 98 bases deleted.
Molecular consequence: splice acceptor variant.
Genome position (GRCh38, 1-based): chr1:183,220,774-183,220,871, 98 bases deleted. GRCh37 (hg19): chr1:183,189,909-183,190,006.
Other names: c.504-51_550del (NM_018891.3).
Identifiers: ClinVar variation 1066306 (VCV001066306.7), dbSNP rs2102219621, ClinGen allele CA2499214332.